The following is an entry in ClinVar:

NM_017780.4(CHD7):c.1605G>T (p.Gln535His)

Gene: CHD7 (chromodomain helicase DNA binding protein 7; plus strand). Cytogenetic location: 8q12.2.
Variant type: single nucleotide variant.
Coding change: c.1605G>T on transcript NM_017780.4 (MANE Select); coding-DNA position 1605, G replaced by T.
Protein change: p.Gln535His; replaces glutamine 535 with histidine.
Molecular consequence: missense variant.
Genome position (GRCh38, 1-based): chr8:60,743,037, G>T. VCF-style: chr8-60743037-G-T. GRCh37 (hg19) VCF-style: chr8-61655596-G-T.
Other names: c.1605G>T, p.Gln535His (NM_001316690.1); short protein forms Q535H.
Identifiers: ClinVar variation 3360313 (VCV003360313.2).

ClinVar aggregate classification (germline): Uncertain significance. Review status: criteria provided, multiple submitters, no conflicts (2 of 4 stars). 2 submissions from 2 submitters: Uncertain significance (2). Last evaluated 2025-12-06.

Conditions:
CHARGE syndrome (CHARGE). Also called: Hittner Hirsch Kreh syndrome; CHARGE ASSOCIATION--COLOBOMA, HEART ANOMALY, CHOANAL ATRESIA, RETARDATION, GENITAL AND EAR ANOMALIES; Coloboma, heart anomaly, choanal atresia, retardation, genital and ear anomalies; CHARGE association; Hall-Hittner syndrome. Identifiers: Orphanet 138, MedGen C0265354, MONDO:0008965.

Submissions (2):

Labcorp Genetics (formerly Invitae), Labcorp
Classification: Uncertain significance for CHARGE syndrome. Last evaluated: 2025-12-06. Review status: criteria provided, single submitter. Criteria: Invitae Variant Classification Sherloc (09022015). Collection method: clinical testing. Allele origin: germline.
Comment: This sequence change replaces glutamine, which is neutral and polar, with histidine, which is basic and polar, at codon 535 of the CHD7 protein (p.Gln535His). This variant is not present in population databases (gnomAD no frequency). This variant has not been reported in the literature in individuals affected with CHD7-related conditions. ClinVar contains an entry for this variant (Variation ID: 3360313). Invitae Evidence Modeling of protein sequence and biophysical properties (such as structural, functional, and spatial information, amino acid conservation, physicochemical variation, residue mobility, and thermodynamic stability) indicates that this missense variant is not expected to disrupt CHD7 protein function with a negative predictive value of 95%. In summary, the available evidence is currently insufficient to determine the role of this variant in disease. Therefore, it has been classified as a Variant of Uncertain Significance.

GeneDx
Classification: Uncertain significance. Last evaluated: 2023-06-26. Review status: criteria provided, single submitter. Criteria: GeneDx Variant Classification Process June 2021. Collection method: clinical testing. Allele origin: germline. Affected: yes.
Comment: Not observed at significant frequency in large population cohorts (gnomAD); In silico analysis supports that this missense variant does not alter protein structure/function; Has not been previously published as pathogenic or benign to our knowledge